The following is an entry in ClinVar:

NM_001083926.2(ASRGL1):c.455A>G (p.Lys152Arg)

Gene: ASRGL1 (asparaginase and isoaspartyl peptidase 1; plus strand). Cytogenetic location: 11q12.3.
Variant type: single nucleotide variant.
Coding change: c.455A>G on transcript NM_001083926.2 (MANE Select); coding-DNA position 455, A replaced by G.
Protein change: p.Lys152Arg; replaces lysine 152 with arginine.
Molecular consequence: missense variant.
Genome position (GRCh38, 1-based): chr11:62,357,108, A>G. VCF-style: chr11-62357108-A-G. GRCh37 (hg19) VCF-style: chr11-62124580-A-G.
Other names: c.455A>G, p.Lys152Arg (NM_025080.4); short protein forms K152R.
Identifiers: ClinVar variation 2988439 (VCV002988439.3), dbSNP rs770073190, ClinGen allele CA6043198.

ClinVar aggregate classification (germline): Uncertain significance (1 of 4 stars; one submission).

Allele frequency attached by ClinVar (database versions not stated): gnomAD exomes 0.00001; gnomAD 0.00002; ExAC 0.00003; TOPMed 0.00003.
gnomAD v4.1: 21 of 1,613,928 alleles (0.0013%); highest among the groups gnomAD compares: Non-Finnish European, 0.0018%; no homozygotes.

Submission:

Labcorp Genetics (formerly Invitae), Labcorp
Classification: Uncertain significance. Last evaluated: 2024-06-19. Review status: criteria provided, single submitter. Criteria: Invitae Variant Classification Sherloc (09022015). Collection method: clinical testing. Allele origin: germline.
Comment: This sequence change replaces lysine, which is basic and polar, with arginine, which is basic and polar, at codon 152 of the ASRGL1 protein (p.Lys152Arg). This variant is present in population databases (rs770073190, gnomAD 0.006%). This variant has not been reported in the literature in individuals affected with ASRGL1-related conditions. An algorithm developed to predict the effect of missense changes on protein structure and function (PolyPhen-2) suggests that this variant is likely to be tolerated. In summary, the available evidence is currently insufficient to determine the role of this variant in disease. Therefore, it has been classified as a Variant of Uncertain Significance.